The following is an entry in ClinVar:

NM_182914.3(SYNE2):c.13688G>A (p.Gly4563Asp)

Gene: SYNE2 (spectrin repeat containing nuclear envelope protein 2; plus strand). Cytogenetic location: 14q23.2.
Variant type: single nucleotide variant.
Coding change: c.13688G>A on transcript NM_182914.3 (MANE Select); coding-DNA position 13688, G replaced by A.
Protein change: p.Gly4563Asp; replaces glycine 4563 with aspartic acid.
Molecular consequence: missense variant.
Genome position (GRCh38, 1-based): chr14:64,126,460, G>A. VCF-style: chr14-64126460-G-A. GRCh37 (hg19) VCF-style: chr14-64593178-G-A.
Other names: c.13688G>A (NM_182914.2); c.13688G>A, p.Gly4563Asp (NM_015180.6); short protein forms G4563D.
Identifiers: ClinVar variation 1497860 (VCV001497860.7), dbSNP rs749516915, ClinGen allele CA7222522.

ClinVar aggregate classification (germline): Uncertain significance. Review status: criteria provided, multiple submitters, no conflicts (2 of 4 stars). 2 submissions from 2 submitters: Uncertain significance (2). Last evaluated 2023-03-02.

Conditions:
Emery-Dreifuss muscular dystrophy 5, autosomal dominant (EDMD5). Also called: EMERY-DREIFUSS MUSCULAR DYSTROPHY 5. Identifiers: Orphanet 261, MedGen C2751805, MONDO:0013072, OMIM 612999.

Allele frequency attached by ClinVar (database versions not stated): ExAC 0.00001; gnomAD exomes 0.00001.
gnomAD v4.1: 8 of 1,614,108 alleles (0.0005%); highest among the groups gnomAD compares: Non-Finnish European, 0.00068%; no homozygotes.

Submissions (2):

Ambry Genetics
Classification: Uncertain significance. Last evaluated: 2023-03-02. Review status: criteria provided, single submitter. Criteria: Ambry Variant Classification Scheme 2023. Collection method: clinical testing. Allele origin: germline.

Labcorp Genetics (formerly Invitae), Labcorp
Classification: Uncertain significance for Emery-Dreifuss muscular dystrophy 5, autosomal dominant. Last evaluated: 2021-11-02. Review status: criteria provided, single submitter. Criteria: Invitae Variant Classification Sherloc (09022015). Collection method: clinical testing. Allele origin: germline.
Comment: In summary, the available evidence is currently insufficient to determine the role of this variant in disease. Therefore, it has been classified as a Variant of Uncertain Significance. Algorithms developed to predict the effect of missense changes on protein structure and function (SIFT, PolyPhen-2, Align-GVGD) all suggest that this variant is likely to be tolerated. This variant has not been reported in the literature in individuals affected with SYNE2-related conditions. This variant is present in population databases (rs749516915, gnomAD 0.003%). This sequence change replaces glycine, which is neutral and non-polar, with aspartic acid, which is acidic and polar, at codon 4563 of the SYNE2 protein (p.Gly4563Asp).